The following is an entry in ClinVar:

ClinVar aggregate classification (germline): Pathogenic (1 of 4 stars; one submission).

Conditions:
Cystic fibrosis (CF). Also called: MUCOVISCIDOSIS. Identifiers: Orphanet 586, MedGen C0010674, MONDO:0009061, OMIM 219700. Disease mechanism: loss of function.

Submission:

Institute of Human Genetics, University of Leipzig Medical Center
Classification: Pathogenic for Cystic fibrosis. Last evaluated: 2026-06-01. Review status: criteria provided, single submitter. Criteria: ACMG Guidelines, 2015. Collection method: clinical testing. Allele origin: unknown. Inheritance: Autosomal recessive inheritance. Affected: yes.
Comment: Criteria applied: PVS1,PM2,PM3_SUP

NM_000492.4(CFTR):c.2620-10_2621del

Gene: CFTR (CF transmembrane conductance regulator; plus strand). Cytogenetic location: 7q31.2.
Variant type: Deletion.
Coding change: c.2620-10_2621del on transcript NM_000492.4 (MANE Select); 10 bases into the intron before coding-DNA position 2620 through coding-DNA position 2621, 12 bases deleted (TCCATTCCAGGT).
Molecular consequence: splice acceptor variant.
Genome position (GRCh38, 1-based): chr7:117,602,816-117,602,827, TCCATTCCAGGT deleted; deleting any 12 consecutive bases within chr7:117,602,814-117,602,827 gives the same sequence; the c. name uses the placement nearest the transcript's 3' end. VCF-style (leftmost placement, unchanged base first): chr7-117602813-TGTTCCATTCCAG-T. GRCh37 (hg19) VCF-style: chr7-117242867-TGTTCCATTCCAG-T.
Identifiers: ClinVar variation 4879403 (VCV004879403.1).
Genomic context (GRCh38, chr7:117,602,813, plus strand): 5'-ATTTAGATGTGGGCATGGGAGGAATAGGTGAAGATGTTAGAAAAAAAATCAACTGTGTCT[TGTTCCATTCCAG>T]GTGGCTGCTTCTTTGGTTGTGCTGTGGCTCCTTGGAAAGTGAGTATTCCATGTCCTATTG-3'